The following is an entry in ClinVar:

ClinVar aggregate classification (germline): Uncertain significance (1 of 4 stars; one submission).

Submission:

GeneDx
Classification: Uncertain significance. Last evaluated: 2021-06-01. Review status: criteria provided, single submitter. Criteria: GeneDx Variant Classification Process June 2021. Collection method: clinical testing. Allele origin: germline. Affected: yes.
Comment: Not observed at significant frequency in large population cohorts (Lek et al., 2016); In silico analysis supports that this missense variant has a deleterious effect on protein structure/function; Has not been previously published as pathogenic or benign to our knowledge; This variant is associated with the following publications: (PMID: 27535533)

NM_001372044.2(SHANK3):c.3374C>T (p.Ser1125Phe)

Gene: SHANK3 (SH3 and multiple ankyrin repeat domains 3; plus strand). Cytogenetic location: 22q13.33.
Variant type: single nucleotide variant.
Coding change: c.3374C>T on transcript NM_001372044.2 (MANE Select); coding-DNA position 3374, C replaced by T.
Protein change: p.Ser1125Phe; replaces serine 1125 with phenylalanine.
Molecular consequence: missense variant.
Genome position (GRCh38, 1-based): chr22:50,720,982, C>T. VCF-style: chr22-50720982-C-T. GRCh37 (hg19) VCF-style: chr22-51159410-C-T.
Other names: c.3149C>T (NM_033517.1); short protein forms S1125F.
Identifiers: ClinVar variation 1327296 (VCV001327296.2), dbSNP rs1603447124, ClinGen allele CA515260841.